The following is an entry in ClinVar:

NM_133510.4(RAD51B):c.199G>T (p.Ala67Ser)

Gene: RAD51B (RAD51 paralog B; plus strand). Cytogenetic location: 14q24.1.
Variant type: single nucleotide variant.
Coding change: c.199G>T on transcript NM_133510.4 (MANE Select); coding-DNA position 199, G replaced by T.
Protein change: p.Ala67Ser; replaces alanine 67 with serine.
Molecular consequence: missense variant. On other transcripts: 5 prime UTR variant (1).
Genome position (GRCh38, 1-based): chr14:67,835,080, G>T. VCF-style: chr14-67835080-G-T. GRCh37 (hg19) VCF-style: chr14-68301797-G-T.
Other names: c.199G>T, p.Ala67Ser (NM_001321809.2, NM_001321810.2, NM_001321812.1 and 6 more transcripts); c.85G>T, p.Ala29Ser (NM_001321815.1); c.-257G>T (NM_001321817.2); short protein forms A29S, A67S.
Identifiers: ClinVar variation 3429657 (VCV003429657.1).

ClinVar aggregate classification (germline): Uncertain significance (1 of 4 stars; one submission).

Submission:

Ambry Genetics
Classification: Uncertain significance. Last evaluated: 2024-11-28. Review status: criteria provided, single submitter. Criteria: Ambry Variant Classification Scheme 2023. Collection method: clinical testing. Allele origin: germline.
Comment: The p.A67S variant (also known as c.199G>T) is located in coding exon 3 of the RAD51B gene. The alanine at codon 67 is replaced by serine, an amino acid with similar properties. This change occurs in the first base pair of coding exon 3. This amino acid position is conserved. In addition, this alteration is predicted to be tolerated by in silico analysis. Based on the available evidence, the clinical significance of this variant remains unclear.